The following is an entry in ClinVar:

NM_032638.5(GATA2):c.1427T>C (p.Val476Ala)

Gene: GATA2 (GATA binding protein 2; minus strand). Cytogenetic location: 3q21.3.
Variant type: single nucleotide variant.
Coding change: c.1427T>C on transcript NM_032638.5 (MANE Select); coding-DNA position 1427, T replaced by C.
Protein change: p.Val476Ala; replaces valine 476 with alanine.
Molecular consequence: missense variant.
Genome position (GRCh38, 1-based): chr3:128,481,035, A>G on the plus strand (T>C on the coding strand, the complement: GATA2 is on the minus strand). VCF-style: chr3-128481035-A-G. GRCh37 (hg19) VCF-style: chr3-128199878-A-G.
Other names: c.1427T>C, p.Val476Ala (NM_001145661.2); c.1385T>C, p.Val462Ala (NM_001145662.1); short protein forms V462A, V476A.
Identifiers: ClinVar variation 933816 (VCV000933816.10), dbSNP rs2068619532, ClinGen allele CA354412413.
Genomic context (GRCh38, chr3:128,481,035, plus strand): 5'-CCACCCATCCCGGGAGTGCCCGGTCCTCGACGTCCATCTGTTCCCTAGCCCATGGCGGTC[A>G]CCATGCTGGACGGGTGGGGGTGGCCGAAGGAGAGGCTGGAGGAGGGGTGGATGGGCGTCG-3'
Protein context (NP_116027.2, residues 466-480): SFGHPHPSSM[Val476Ala]TAMG

ClinVar aggregate classification (germline): Uncertain significance. Review status: criteria provided, multiple submitters, no conflicts (2 of 4 stars). 2 submissions from 2 submitters: Uncertain significance (2). Last evaluated 2025-01-25.

Conditions:
Inborn genetic diseases. Identifiers: MedGen C0950123, MeSH D030342.
Monocytopenia with susceptibility to infections. Also called: GATA2 DEFICIENCY; IMMUNODEFICIENCY 21; MONOCYTOPENIA AND MYCOBACTERIAL INFECTION SYNDROME; MONOCYTOPENIA WITH SUSCEPTIBILITY TO MYCOBACTERIAL, FUNGAL, AND PAPILLOMAVIRUS INFECTIONS AND MYELODYSPLASIA; COMBINED IMMUNODEFICIENCY WITH SUSCEPTIBILITY TO MYCOBACTERIAL, VIRAL, AND FUNGAL INFECTIONS; Dendritic cell, monocyte, B lymphocyte, and natural killer lymphocyte deficiency. Identifiers: Orphanet 228423, MedGen C3280030, MONDO:0013607, OMIM 614172.
Deafness-lymphedema-leukemia syndrome. Also called: Emberger syndrome; Lymphedema, primary, with myelodysplasia. Identifiers: Orphanet 3226, MedGen C3279664, MONDO:0013540, OMIM 614038.

Allele frequency attached by ClinVar (database versions not stated): TOPMed below 0.00001.

Submissions (2):

Ambry Genetics
Classification: Uncertain significance for Inborn genetic diseases. Last evaluated: 2025-01-25. Review status: criteria provided, single submitter. Criteria: Ambry Variant Classification Scheme 2023. Collection method: clinical testing. Allele origin: germline.
Comment: The p.V476A variant (also known as c.1427T>C), located in coding exon 5 of the GATA2 gene, results from a T to C substitution at nucleotide position 1427. The valine at codon 476 is replaced by alanine, an amino acid with similar properties. This amino acid position is conserved. In addition, the in silico prediction for this alteration is inconclusive. Based on the available evidence, the clinical significance of this variant remains unclear.

Labcorp Genetics (formerly Invitae), Labcorp
Classification: Uncertain significance for Monocytopenia with susceptibility to infections; Deafness-lymphedema-leukemia syndrome. Last evaluated: 2023-03-19. Review status: criteria provided, single submitter. Criteria: Invitae Variant Classification Sherloc (09022015). Collection method: clinical testing. Allele origin: germline.
Comment: ClinVar contains an entry for this variant (Variation ID: 933816). In summary, the available evidence is currently insufficient to determine the role of this variant in disease. Therefore, it has been classified as a Variant of Uncertain Significance. Advanced modeling of protein sequence and biophysical properties (such as structural, functional, and spatial information, amino acid conservation, physicochemical variation, residue mobility, and thermodynamic stability) has been performed at Invitae for this missense variant, however the output from this modeling did not meet the statistical confidence thresholds required to predict the impact of this variant on GATA2 protein function. This variant has not been reported in the literature in individuals affected with GATA2-related conditions. This variant is not present in population databases (gnomAD no frequency). This sequence change replaces valine, which is neutral and non-polar, with alanine, which is neutral and non-polar, at codon 476 of the GATA2 protein (p.Val476Ala).